The following is an entry in ClinVar:

NM_004924.6(ACTN4):c.2470G>A (p.Gly824Ser)

Gene: ACTN4 (actinin alpha 4; plus strand). Cytogenetic location: 19q13.2.
Variant type: single nucleotide variant.
Coding change: c.2470G>A on transcript NM_004924.6 (MANE Select); coding-DNA position 2470, G replaced by A.
Protein change: p.Gly824Ser; replaces glycine 824 with serine.
Molecular consequence: missense variant.
Genome position (GRCh38, 1-based): chr19:38,729,047, G>A. VCF-style: chr19-38729047-G-A. GRCh37 (hg19) VCF-style: chr19-39219687-G-A.
Other names: c.2455G>A, p.Gly819Ser (NM_001322033.2); c.2470G>A, p.Gly824Ser (NM_001411143.1); short protein forms G819S, G824S.
Identifiers: ClinVar variation 3002963 (VCV003002963.4), dbSNP rs771066917, ClinGen allele CA9418055.

ClinVar aggregate classification (germline): Uncertain significance. Review status: criteria provided, multiple submitters, no conflicts (2 of 4 stars). 2 submissions from 2 submitters: Uncertain significance (2). Last evaluated 2024-05-03.

Conditions:
Focal segmental glomerulosclerosis 1 (FSGS1). Identifiers: Orphanet 656, MedGen C4551527, MONDO:0011303, OMIM 603278.

Allele frequency attached by ClinVar (database versions not stated): gnomAD exomes 0.00001; ExAC 0.00002.
gnomAD v4.1: 20 of 1,613,558 alleles (0.0012%); highest among the groups gnomAD compares: Middle Eastern, 0.016%; no homozygotes.

Submissions (2):

Fulgent Genetics
Classification: Uncertain significance for Focal segmental glomerulosclerosis 1. Last evaluated: 2024-05-03. Review status: criteria provided, single submitter. Criteria: ACMG Guidelines, 2015. Collection method: clinical testing. Allele origin: germline.

Labcorp Genetics (formerly Invitae), Labcorp
Classification: Uncertain significance. Last evaluated: 2024-04-14. Review status: criteria provided, single submitter. Criteria: Invitae Variant Classification Sherloc (09022015). Collection method: clinical testing. Allele origin: germline.
Comment: This sequence change replaces glycine, which is neutral and non-polar, with serine, which is neutral and polar, at codon 824 of the ACTN4 protein (p.Gly824Ser). This variant is present in population databases (rs771066917, gnomAD 0.002%). This variant has not been reported in the literature in individuals affected with ACTN4-related conditions. An algorithm developed to predict the effect of missense changes on protein structure and function (PolyPhen-2) suggests that this variant is likely to be disruptive. In summary, the available evidence is currently insufficient to determine the role of this variant in disease. Therefore, it has been classified as a Variant of Uncertain Significance.